The following is an entry in ClinVar:

ClinVar aggregate classification (germline): Uncertain significance (1 of 4 stars; one submission).

Conditions:
Intellectual developmental disorder, X-linked, syndromic, Pilorge type. Identifiers: MedGen C5676881, MONDO:0024772, OMIM 301076.

Submission:

Laboratorio de Genetica e Diagnostico Molecular, Hospital Israelita Albert Einstein
Classification: Uncertain significance for Intellectual developmental disorder, X-linked, syndromic, Pilorge type. Last evaluated: 2024-07-08. Review status: criteria provided, single submitter. Criteria: ACMG Guidelines, 2015. Collection method: clinical testing. Allele origin: germline. Affected: yes.
Comment: ACMG classification criteria: PM2 supporting

NM_002063.4(GLRA2):c.1237G>C (p.Asp413His)

Genes: FANCB (FA complementation group B; minus strand), GLRA2 (glycine receptor alpha 2; plus strand). Cytogenetic location: Xp22.2.
Variant type: single nucleotide variant.
Coding change: c.1237G>C on transcript NM_002063.4 (MANE Select); coding-DNA position 1237, G replaced by C.
Protein change: p.Asp413His; replaces aspartic acid 413 with histidine.
Molecular consequence: missense variant.
Genome position (GRCh38, 1-based): chrX:14,730,363, G>C. VCF-style: chrX-14730363-G-C. GRCh37 (hg19) VCF-style: chrX-14748485-G-C.
Other names: c.1237G>C, p.Asp413His (NM_001118885.2, NM_001118886.2); c.970G>C, p.Asp324His (NM_001171942.2); short protein forms D324H, D413H.
Identifiers: ClinVar variation 4056498 (VCV004056498.1).